The following is an entry in ClinVar:

ClinVar aggregate classification (germline): Likely benign. Review status: reviewed by expert panel (3 of 4 stars). 5 submissions from 5 submitters: Likely benign (1). 4 of the submissions do not count toward it. Last evaluated 2026-01-06.

Conditions:
Global developmental delay - lung cysts - overgrowth - Wilms tumor syndrome. Also called: GLOW Syndrome; GLOBAL DEVELOPMENTAL DELAY, LUNG CYSTS, OVERGROWTH, AND WILMS TUMOR. Identifiers: Orphanet 404476, MedGen C4748924, MONDO:0018445, OMIM 618272.
DICER1-related tumor predisposition. Also called: DICER1-related pleuropulmonary blastoma cancer predisposition syndrome; DICER1 syndrome. Identifiers: Orphanet 284343, MedGen C3839822, MONDO:0100216.
Hereditary cancer-predisposing syndrome. Also called: Hereditary neoplastic syndrome; Neoplastic Syndromes, Hereditary; Tumor predisposition; Hereditary Cancer Syndrome. Identifiers: Orphanet 140162, MedGen C0027672, MeSH D009386, MONDO:0015356.

Allele frequency attached by ClinVar (database versions not stated): ExAC 0.00001; gnomAD 0.00001; gnomAD exomes 0.00001 and 0.00002; 1000 Genomes Project 30x 0.00016; 1000 Genomes Project 0.00020.

Submissions (5):

ClinGen DICER1 and miRNA-Processing Gene Variant Curation Expert Panel, ClinGen
Classification: Likely benign for DICER1-related tumor predisposition. Last evaluated: 2026-01-06. Review status: reviewed by expert panel. Criteria: ClinGen DICER1 ACMG Specifications DICER1 V1.4.0. Collection method: curation. Allele origin: germline. Inheritance: Autosomal dominant inheritance.
Comment: The NM_177438.3:c.4945A>G variant in DICER1 is a missense variant predicted to cause substitution of methionine by valine at amino acid 1649 (p.Met1649Val). Although this variant has been observed in germline cases, to our knowledge, this variant has not been reported in individuals with DICER1-related tumor predisposition (PS4 not met; Internal lab contributors). This variant has been seen in 10 or more unrelated females without tumors through age 50 in at least one testing laboratory (BS2_Supporting; Internal lab contributors). The highest population minor allele frequency in gnomAD v4.1.0 is 0.0007128 (32/44892 alleles) in East Asian population, which is higher than the ClinGen DICER1 VCEP threshold (>0.0003) for BS1, and therefore meets this criterion (BS1). In silico tools predict no damaging impact of the variant on protein function (REVEL: 0.149; MaxEntScan and SpliceAI: no effect on splicing) (BP4). In summary, this variant meets the criteria to be classified as Likely Benign for DICER1-related tumor predisposition based on the ACMG/AMP criteria applied, as specified by the ClinGen DICER1 VCEP: BS2_supporting, BS1, BP4. (Bayesian Points: -6; VCEP specifications version 1.4.0; 01/06/2026)

Labcorp Genetics (formerly Invitae), Labcorp
Classification: Uncertain significance for DICER1-related tumor predisposition. Last evaluated: 2025-10-01. Review status: criteria provided, single submitter. Criteria: Invitae Variant Classification Sherloc (09022015). Collection method: clinical testing. Allele origin: germline. Not counted in ClinVar's aggregate classification.
Comment: This sequence change replaces methionine, which is neutral and non-polar, with valine, which is neutral and non-polar, at codon 1649 of the DICER1 protein (p.Met1649Val). This variant is present in population databases (rs146715213, gnomAD 0.006%). This variant has not been reported in the literature in individuals affected with DICER1-related conditions. ClinVar contains an entry for this variant (Variation ID: 412129). Invitae Evidence Modeling of protein sequence and biophysical properties (such as structural, functional, and spatial information, amino acid conservation, physicochemical variation, residue mobility, and thermodynamic stability) has been performed for this missense variant. However, the output from this modeling did not meet the statistical confidence thresholds required to predict the impact of this variant on DICER1 protein function. In summary, the available evidence is currently insufficient to determine the role of this variant in disease. Therefore, it has been classified as a Variant of Uncertain Significance.

Ambry Genetics
Classification: Uncertain significance for Hereditary cancer-predisposing syndrome. Last evaluated: 2025-03-24. Review status: criteria provided, single submitter. Criteria: Ambry Variant Classification Scheme 2023. Collection method: clinical testing. Allele origin: germline. Not counted in ClinVar's aggregate classification.
Comment: The p.M1649V variant (also known as c.4945A>G), located in coding exon 22 of the DICER1 gene, results from an A to G substitution at nucleotide position 4945. The methionine at codon 1649 is replaced by valine, an amino acid with highly similar properties. This amino acid position is highly conserved in available vertebrate species. In addition, the in silico prediction for this alteration is inconclusive. Since supporting evidence is limited at this time, the clinical significance of this alteration remains unclear.

Baylor Genetics
Classification: Uncertain significance for Global developmental delay - lung cysts - overgrowth - Wilms tumor syndrome. Last evaluated: 2023-09-12. Review status: criteria provided, single submitter. Criteria: ACMG Guidelines, 2015. Collection method: clinical testing. Allele origin: unknown. Not counted in ClinVar's aggregate classification.

Illumina Laboratory Services, Illumina
Classification: Uncertain significance for Pleuropulmonary blastoma. Last evaluated: 2018-01-12. Review status: criteria provided, single submitter. Criteria: ICSL Variant Classification Criteria 13 December 2019. Collection method: clinical testing. Allele origin: germline. Not counted in ClinVar's aggregate classification.

NM_177438.3(DICER1):c.4945A>G (p.Met1649Val)

Gene: DICER1 (dicer 1, ribonuclease III; minus strand). Cytogenetic location: 14q32.13.
Variant type: single nucleotide variant.
Coding change: c.4945A>G on transcript NM_177438.3 (MANE Select); coding-DNA position 4945, A replaced by G.
Protein change: p.Met1649Val; replaces methionine 1649 with valine.
Molecular consequence: missense variant.
Genome position (GRCh38, 1-based): chr14:95,095,975, T>C on the plus strand (A>G on the coding strand, the complement: DICER1 is on the minus strand). VCF-style: chr14-95095975-T-C. GRCh37 (hg19) VCF-style: chr14-95562312-T-C.
Other names: NM_177438.3(DICER1):c.4945A>G; p.Met1649Val; c.4945A>G, p.Met1649Val (NM_001195573.1, NM_001271282.3, NM_001291628.2 and 1 more transcripts); short protein forms M1649V.
Identifiers: ClinVar variation 412129 (VCV000412129.22), dbSNP rs146715213, ClinGen allele CA7330768.